The following is an entry in ClinVar:

NM_001365999.1(SZT2):c.6566C>T (p.Thr2189Met)

Gene: SZT2 (SZT2 subunit of KICSTOR complex; plus strand). Cytogenetic location: 1p34.2.
Variant type: single nucleotide variant.
Coding change: c.6566C>T on transcript NM_001365999.1 (MANE Select); coding-DNA position 6566, C replaced by T.
Protein change: p.Thr2189Met; replaces threonine 2189 with methionine.
Molecular consequence: missense variant.
Genome position (GRCh38, 1-based): chr1:43,438,756, C>T. VCF-style: chr1-43438756-C-T. GRCh37 (hg19) VCF-style: chr1-43904427-C-T.
Other names: c.6395C>T, p.Thr2132Met (NM_015284.4); short protein forms T2189M, T2132M.
Identifiers: ClinVar variation 1364063 (VCV001364063.8), dbSNP rs2153935265, ClinGen allele CA340030957.

ClinVar aggregate classification (germline): Uncertain significance (1 of 4 stars; one submission).

gnomAD v4.1: 3 of 1,614,124 alleles (0.00019%); highest among the groups gnomAD compares: South Asian, 0.0011%; no homozygotes.

Submission:

Labcorp Genetics (formerly Invitae), Labcorp
Classification: Uncertain significance. Last evaluated: 2025-10-22. Review status: criteria provided, single submitter. Criteria: Invitae Variant Classification Sherloc (09022015). Collection method: clinical testing. Allele origin: germline.
Comment: This sequence change replaces threonine, which is neutral and polar, with methionine, which is neutral and non-polar, at codon 2132 of the SZT2 protein (p.Thr2132Met). This variant is not present in population databases (gnomAD no frequency). This variant has not been reported in the literature in individuals affected with SZT2-related conditions. ClinVar contains an entry for this variant (Variation ID: 1364063). Invitae Evidence Modeling of protein sequence and biophysical properties (such as structural, functional, and spatial information, amino acid conservation, physicochemical variation, residue mobility, and thermodynamic stability) indicates that this missense variant is expected to disrupt SZT2 protein function with a positive predictive value of 80%. In summary, the available evidence is currently insufficient to determine the role of this variant in disease. Therefore, it has been classified as a Variant of Uncertain Significance.